The following is an entry in ClinVar:

ClinVar aggregate classification (germline): Uncertain significance. Review status: criteria provided, single submitter (1 of 4 stars). 2 submissions from 2 submitters: Uncertain significance (1). 1 of the submissions does not count toward it. Last evaluated 2025-03-11.

Conditions:
SEMA3F-related disorder. Also called: SEMA3F-related condition.

Allele frequency attached by ClinVar (database versions not stated): TOPMed 0.00003; gnomAD 0.00005; gnomAD exomes 0.00008; ExAC 0.00018; 1000 Genomes Project 30x 0.00031; 1000 Genomes Project 0.00040.
gnomAD v4.1: 122 of 1,609,420 alleles (0.0076%); highest among the groups gnomAD compares: South Asian, 0.1%; 1 homozygote.

Submissions (2):

Ambry Genetics
Classification: Uncertain significance. Last evaluated: 2025-03-11. Review status: criteria provided, single submitter. Criteria: Ambry Variant Classification Scheme 2023. Collection method: clinical testing. Allele origin: germline.

PreventionGenetics, part of Exact Sciences
Classification: Uncertain significance for SEMA3F-related condition. Last evaluated: 2024-02-12. Review status: no assertion criteria provided. Collection method: clinical testing. Allele origin: germline. Not counted in ClinVar's aggregate classification.
Comment: The SEMA3F c.509C>T variant is predicted to result in the amino acid substitution p.Thr170Met. To our knowledge, this variant has not been reported in the literature. This variant is reported in 0.071% of alleles in individuals of South Asian descent in gnomAD, which is likely too frequent for an unreported disease-associated variant. Although we suspect that this variant may be benign, at this time, the clinical significance of this variant is uncertain due to the absence of conclusive functional and genetic evidence.

NM_004186.5(SEMA3F):c.509C>T (p.Thr170Met)

Gene: SEMA3F (semaphorin 3F; plus strand). Cytogenetic location: 3p21.31.
Variant type: single nucleotide variant.
Coding change: c.509C>T on transcript NM_004186.5 (MANE Select); coding-DNA position 509, C replaced by T.
Protein change: p.Thr170Met; replaces threonine 170 with methionine.
Molecular consequence: missense variant. On other transcripts: intron variant (2).
Genome position (GRCh38, 1-based): chr3:50,175,148, C>T. VCF-style: chr3-50175148-C-T. GRCh37 (hg19) VCF-style: chr3-50212581-C-T.
Other names: c.252+798C>T (NM_001318798.2); c.456+798C>T (NM_001318800.2); c.509C>T (NM_004186.3); short protein forms T170M.
Identifiers: ClinVar variation 3036735 (VCV003036735.3), dbSNP rs564428335, ClinGen allele CA2411798.